The following is an entry in ClinVar:

ClinVar aggregate classification (germline): Uncertain significance. Review status: criteria provided, multiple submitters, no conflicts (2 of 4 stars). 3 submissions from 3 submitters: Uncertain significance (2). 1 of the submissions does not count toward it. Last evaluated 2024-09-27.

Conditions:
Hereditary cancer-predisposing syndrome. Also called: Hereditary neoplastic syndrome; Neoplastic Syndromes, Hereditary; Tumor predisposition; Hereditary Cancer Syndrome. Identifiers: Orphanet 140162, MedGen C0027672, MeSH D009386, MONDO:0015356.
Fumarase deficiency (FMRD). Also called: Fumaric aciduria; Fumarate Hydratase Deficiency. Identifiers: Orphanet 24, MedGen C0342770, MONDO:0011730, OMIM 606812.

Submissions (3):

Labcorp Genetics (formerly Invitae), Labcorp
Classification: Uncertain significance. Last evaluated: 2024-09-27. Review status: criteria provided, single submitter. Criteria: Invitae Variant Classification Sherloc (09022015). Collection method: clinical testing. Allele origin: germline.
Comment: This sequence change replaces alanine, which is neutral and non-polar, with proline, which is neutral and non-polar, at codon 494 of the FH protein (p.Ala494Pro). This variant is not present in population databases (gnomAD no frequency). This variant has not been reported in the literature in individuals affected with FH-related conditions. ClinVar contains an entry for this variant (Variation ID: 485568). Invitae Evidence Modeling of protein sequence and biophysical properties (such as structural, functional, and spatial information, amino acid conservation, physicochemical variation, residue mobility, and thermodynamic stability) indicates that this missense variant is not expected to disrupt FH protein function with a negative predictive value of 95%. In summary, the available evidence is currently insufficient to determine the role of this variant in disease. Therefore, it has been classified as a Variant of Uncertain Significance.

Ambry Genetics
Classification: Uncertain significance for Hereditary cancer-predisposing syndrome. Last evaluated: 2023-03-06. Review status: criteria provided, single submitter. Criteria: Ambry Variant Classification Scheme 2023. Collection method: clinical testing. Allele origin: germline.
Comment: The p.A494P variant (also known as c.1480G>C), located in coding exon 10 of the FH gene, results from a G to C substitution at nucleotide position 1480. The alanine at codon 494 is replaced by proline, an amino acid with highly similar properties. This amino acid position is not well conserved in available vertebrate species. In addition, the in silico prediction for this alteration is inconclusive. Since supporting evidence is limited at this time, the clinical significance of this alteration remains unclear.

Natera, Inc.
Classification: Uncertain significance for Fumarase Deficiency. Last evaluated: 2020-12-02. Review status: no assertion criteria provided. Collection method: clinical testing. Allele origin: germline. Not counted in ClinVar's aggregate classification.

NM_000143.4(FH):c.1480G>C (p.Ala494Pro)

Gene: FH (fumarate hydratase; minus strand). Cytogenetic location: 1q43.
Variant type: single nucleotide variant.
Coding change: c.1480G>C on transcript NM_000143.4 (MANE Select); coding-DNA position 1480, G replaced by C.
Protein change: p.Ala494Pro; replaces alanine 494 with proline.
Molecular consequence: missense variant.
Genome position (GRCh38, 1-based): chr1:241,497,881, C>G on the plus strand (G>C on the coding strand, the complement: FH is on the minus strand). VCF-style: chr1-241497881-C-G. GRCh37 (hg19) VCF-style: chr1-241661181-C-G.
Other names: short protein forms A494P.
Identifiers: ClinVar variation 485568 (VCV000485568.15), dbSNP rs1553340508, ClinGen allele CA345450431.
Genomic context (GRCh38, chr1:241,497,881, plus strand): 5'-ATGTAAATCACTTTGGACCCAGCATGTCCTTAGGTTTTACCCATTCGTCAAACTGCTCTG[C>G]TGTGAGATAGCCAAGTTCGATAGCAGTTTCCTTTAAGGTTGATCCATTTTTGTGTGCTGT-3'
Protein context (NP_000134.2, residues 484-504): ETAIELGYLT[Ala494Pro]EQFDEWVKPK